The following is an entry in ClinVar:

NM_021813.4(BACH2):c.1394G>T (p.Gly465Val)

Gene: BACH2 (BACH transcriptional regulator 2; minus strand). Cytogenetic location: 6q15.
Variant type: single nucleotide variant.
Coding change: c.1394G>T on transcript NM_021813.4 (MANE Select); coding-DNA position 1394, G replaced by T.
Protein change: p.Gly465Val; replaces glycine 465 with valine.
Molecular consequence: missense variant.
Genome position (GRCh38, 1-based): chr6:89,950,712, C>A on the plus strand (G>T on the coding strand, the complement: BACH2 is on the minus strand). VCF-style: chr6-89950712-C-A. GRCh37 (hg19) VCF-style: chr6-90660431-C-A.
Other names: c.1394G>T, p.Gly465Val (NM_001170794.2); short protein forms G465V.
Identifiers: ClinVar variation 4742712 (VCV004742712.1).

ClinVar aggregate classification (germline): Uncertain significance (1 of 4 stars; one submission).

Submission:

Labcorp Genetics (formerly Invitae), Labcorp
Classification: Uncertain significance. Last evaluated: 2025-07-28. Review status: criteria provided, single submitter. Criteria: Invitae Variant Classification Sherloc (09022015). Collection method: clinical testing. Allele origin: germline.
Comment: This sequence change replaces glycine, which is neutral and non-polar, with valine, which is neutral and non-polar, at codon 465 of the BACH2 protein (p.Gly465Val). This variant is not present in population databases (gnomAD no frequency). This variant has not been reported in the literature in individuals affected with BACH2-related conditions. Invitae Evidence Modeling of protein sequence and biophysical properties (such as structural, functional, and spatial information, amino acid conservation, physicochemical variation, residue mobility, and thermodynamic stability) indicates that this missense variant is not expected to disrupt BACH2 protein function with a negative predictive value of 80%. In summary, the available evidence is currently insufficient to determine the role of this variant in disease. Therefore, it has been classified as a Variant of Uncertain Significance.